The following is an entry in ClinVar:

NM_053274.3(GLMN):c.844_847del (p.Leu282fs)

Gene: GLMN (glomulin; minus strand). Cytogenetic location: 1p22.1.
Variant type: Deletion.
Coding change: c.844_847del on transcript NM_053274.3 (MANE Select); coding-DNA positions 844 to 847, 4 bases deleted (TTAG; older notation c.844_847delTTAG).
Protein change: p.Leu282fs; shifts the reading frame from leucine 282.
Molecular consequence: frameshift variant. On other transcripts: non-coding transcript variant (1).
Genome position (GRCh38, 1-based): chr1:92,271,541-92,271,544, CTAA deleted on the plus strand (TTAG on the coding strand, the reverse complement: GLMN is on the minus strand); deleting any 4 consecutive bases within chr1:92,271,541-92,271,546 gives the same sequence; the c. name uses the placement nearest the transcript's 3' end. VCF-style (leftmost placement, unchanged base first): chr1-92271540-GCTAA-G. GRCh37 (hg19) VCF-style: chr1-92737097-GCTAA-G.
Other names: c.844_847del, p.Leu282fs (NM_001319683.2); short protein forms L282fs.
Identifiers: ClinVar variation 930408 (VCV000930408.16), dbSNP rs773060450, ClinGen allele CA950481.
Genomic context (GRCh38, chr1:92,271,540, plus strand): 5'-AGCTGATCAATATGGATGCCCTGTACAAATACTAGATATGCCAGAGAAGCCATTGAGTCT[GCTAA>G]CTGTTTATTTTCTTCTTCTTCAAATTCAAGGTAATTCCAAGTTCTCTTTTTCCTTCCATG-3'

ClinVar aggregate classification (germline): Pathogenic/Likely pathogenic. Review status: criteria provided, multiple submitters, no conflicts (2 of 4 stars). 7 submissions from 7 submitters: Pathogenic (4); Likely pathogenic (1). 2 of the submissions do not count toward it. Last evaluated 2025-05-28.

Conditions:
GLMN-related disorder. Also called: GLMN-related condition.
Glomuvenous malformation. Also called: VENOUS MALFORMATIONS WITH GLOMUS CELLS; GLOMANGIOMAS, MULTIPLE; GLOMUS TUMORS, MULTIPLE; Familial glomangioma. Identifiers: Orphanet 83454, MedGen C1841984, MONDO:0007672, OMIM 138000.

Submissions (7):

Victorian Clinical Genetics Services, Murdoch Childrens Research Institute
Classification: Pathogenic for Glomuvenous malformation. Last evaluated: 2025-05-28. Review status: criteria provided, single submitter. Criteria: ACMG Guidelines, 2015. Collection method: clinical testing. Allele origin: germline. Affected: yes.
Comment: This variant is classified as Pathogenic. Evidence in support of pathogenic classification: Variant is predicted to cause nonsense-mediated decay (NMD) and loss of protein (premature termination codon is located at least 54 nucleotides upstream of the final exon-exon junction); Variant is present in gnomAD <0.001 for a dominant condition (v4: 44 heterozygote(s), 0 homozygote(s)); This variant has strong previous evidence of pathogenicity in unrelated individuals. This variant has been classified as pathogenic and likely pathogenic by clinical laboratories in ClinVar; Other NMD-predicted variant(s) comparable to the one identified in this case have very strong previous evidence for pathogenicity (DECIPHER). Additional information: This variant is heterozygous; This gene is associated with autosomal dominant disease; Loss of function is a known mechanism of disease in this gene and is associated with glomuvenous malformations (MIM#138000); Variants in this gene are known to have variable expressivity. Significant phenotypic variability is reported even among affected family members, and may be influenced by somatically-acquired second hits (PMIDs: 23801931, 23375657).

PreventionGenetics, part of Exact Sciences
Classification: Likely pathogenic for GLMN-related condition. Last evaluated: 2023-05-04. Review status: criteria provided, single submitter. Criteria: ACMG Guidelines, 2015. Collection method: clinical testing. Allele origin: germline.
Comment: The GLMN c.844_847delTTAG variant is predicted to result in a frameshift and premature protein termination (p.Leu282Glnfs*10). This variant was reported in an individual with Glomuvenous malformations (reported as 842delAGTT in Figure 3, Brouillard et al 2002. PubMed ID: 11845407). This variant is reported in 0.020% of alleles in individuals of East Asian descent in gnomAD. In ClinVar, this variant was interpreted as pathogenic. Frameshift variants in GLMN are expected to be pathogenic. This variant is interpreted as likely pathogenic.

Labcorp Genetics (formerly Invitae), Labcorp
Classification: Pathogenic. Last evaluated: 2023-01-13. Review status: criteria provided, single submitter. Criteria: Invitae Variant Classification Sherloc (09022015). Collection method: clinical testing. Allele origin: germline.
Comment: For these reasons, this variant has been classified as Pathogenic. ClinVar contains an entry for this variant (Variation ID: 930408). This variant is also known as 842delAGTT. This premature translational stop signal has been observed in individual(s) with glomuvenous malformations (PMID: 11845407). This variant is present in population databases (rs773060450, gnomAD 0.02%). This sequence change creates a premature translational stop signal (p.Leu282Glnfs*10) in the GLMN gene. It is expected to result in an absent or disrupted protein product. Loss-of-function variants in GLMN are known to be pathogenic (PMID: 23801931).

Centre for Mendelian Genomics, University Medical Centre Ljubljana
Classification: Pathogenic for Glomuvenous malformation. Last evaluated: 2016-01-01. Review status: criteria provided, single submitter. Criteria: ACMG Guidelines, 2015. Collection method: clinical testing. Allele origin: unknown. Affected: yes.
Comment: This variant was classified as: Pathogenic. The following ACMG criteria were applied in classifying this variant: PVS1,PP4,PP5.

Juno Genomics, Hangzhou Juno Genomics, Inc
Classification: Pathogenic for Glomuvenous malformation. Review status: criteria provided, single submitter. Criteria: ACMG Guidelines, 2015. Collection method: clinical testing. Allele origin: germline.
Comment: Absent from controls (or at extremely low frequency if recessive) in Genome Aggregation Database.;Null variant in a gene where loss of function (LOF) is a known mechanism of disease.;Patient's phenotype or family history is highly specific for a disease with a single genetic etiology.

Clinical Genetics, Academic Medical Center
Classification: Pathogenic. Review status: no assertion criteria provided. Collection method: clinical testing. Allele origin: germline. Affected: yes. Study: VKGL Data-share Consensus. Not counted in ClinVar's aggregate classification.

Joint Genome Diagnostic Labs from Nijmegen and Maastricht, Radboudumc and MUMC+
Classification: Pathogenic. Review status: no assertion criteria provided. Collection method: clinical testing. Allele origin: germline. Affected: yes. Study: VKGL Data-share Consensus. Not counted in ClinVar's aggregate classification.

Literature cited by the submitters: PubMed 23801931 (cited by Victorian Clinical Genetics Services, Murdoch Childrens Research Institute and Labcorp Genetics (formerly Invitae), Labcorp); PubMed 23375657 (cited by Victorian Clinical Genetics Services, Murdoch Childrens Research Institute); PubMed 11845407 (cited by Labcorp Genetics (formerly Invitae), Labcorp).